The following is an entry in ClinVar:

NM_001374736.1(DST):c.1935A>G (p.Ile645Met)

Gene: DST (dystonin; minus strand). Cytogenetic location: 6p12.1.
Variant type: single nucleotide variant.
Coding change: c.1935A>G on transcript NM_001374736.1 (MANE Select); coding-DNA position 1935, A replaced by G.
Protein change: p.Ile645Met; replaces isoleucine 645 with methionine.
Molecular consequence: missense variant.
Genome position (GRCh38, 1-based): chr6:56,642,039, T>C on the plus strand (A>G on the coding strand, the complement: DST is on the minus strand). VCF-style: chr6-56642039-T-C. GRCh37 (hg19) VCF-style: chr6-56506837-T-C.
Other names: c.1836A>G, p.Ile612Met (NM_001144769.5); c.1422A>G, p.Ile474Met (NM_001144770.2); c.1935A>G, p.Ile645Met (NM_001374722.1); c.1302A>G, p.Ile434Met (NM_001374729.1, NM_001374730.1, NM_001386100.1 and 1 more transcripts); c.1962A>G, p.Ile654Met (NM_001374734.1); c.324A>G, p.Ile108Met (NM_001723.7, NM_015548.5); short protein forms I108M, I434M, I474M, I612M, I645M, I654M.
Identifiers: ClinVar variation 2416657 (VCV002416657.8), dbSNP rs757472151, ClinGen allele CA3871531.

ClinVar aggregate classification (germline): Uncertain significance (1 of 4 stars; one submission).

Conditions:
Hereditary sensory and autonomic neuropathy type 6. Also called: HSAN VI; Neuropathy, hereditary sensory and autonomic, type VI. Identifiers: Orphanet 314381, MedGen C3539003, MONDO:0013839, OMIM 614653.
Epidermolysis bullosa simplex 3, localized or generalized intermediate, with BP230 deficiency (EBS3). Also called: Epidermolysis bullosa simplex due to BP230 deficiency; Epidermolysis bullosa simplex, autosomal recessive 2. Identifiers: Orphanet 412181, MedGen C3809470, MONDO:0014180, OMIM 615425.

Allele frequency attached by ClinVar (database versions not stated): gnomAD exomes below 0.00001; TOPMed below 0.00001; gnomAD 0.00001; ExAC 0.00002.
gnomAD v4.1: 4 of 1,612,750 alleles (0.00025%); highest among the groups gnomAD compares: East Asian, 0.0089%; no homozygotes.

Submission:

Labcorp Genetics (formerly Invitae), Labcorp
Classification: Uncertain significance for Epidermolysis bullosa simplex 3, localized or generalized intermediate, with BP230 deficiency; Hereditary sensory and autonomic neuropathy type 6. Last evaluated: 2021-12-24. Review status: criteria provided, single submitter. Criteria: Invitae Variant Classification Sherloc (09022015). Collection method: clinical testing. Allele origin: germline.
Comment: In summary, the available evidence is currently insufficient to determine the role of this variant in disease. Therefore, it has been classified as a Variant of Uncertain Significance. Algorithms developed to predict the effect of missense changes on protein structure and function are either unavailable or do not agree on the potential impact of this missense change (SIFT: "Deleterious"; PolyPhen-2: "Possibly Damaging"; Align-GVGD: "Class C0"). This variant has not been reported in the literature in individuals affected with DST-related conditions. This variant is present in population databases (rs757472151, gnomAD 0.03%). This sequence change replaces isoleucine, which is neutral and non-polar, with methionine, which is neutral and non-polar, at codon 108 of the DST protein (p.Ile108Met).